The following is an entry in ClinVar:

NM_201384.3(PLEC):c.4854C>T (p.Ala1618=)

Gene: PLEC (plectin; minus strand). Cytogenetic location: 8q24.3.
Variant type: single nucleotide variant.
Coding change: c.4854C>T on transcript NM_201384.3 (MANE Select); coding-DNA position 4854, C replaced by T.
Protein change: p.Ala1618=; no amino-acid change (alanine 1618 retained).
Molecular consequence: synonymous variant.
Genome position (GRCh38, 1-based): chr8:143,925,075, G>A on the plus strand (C>T on the coding strand, the complement: PLEC is on the minus strand). VCF-style: chr8-143925075-G-A. GRCh37 (hg19) VCF-style: chr8-144999243-G-A.
Other names: c.4935C>T, p.Ala1645= (NM_000445.5); c.4812C>T, p.Ala1604= (NM_201378.4); c.4788C>T, p.Ala1596= (NM_201379.3); c.5265C>T, p.Ala1755= (NM_201380.4); c.4758C>T, p.Ala1586= (NM_201381.3); c.4854C>T, p.Ala1618= (NM_201382.4); c.4866C>T, p.Ala1622= (NM_201383.3).
Identifiers: ClinVar variation 387325 (VCV000387325.13), dbSNP rs7011480, ClinGen allele CA4926522.

ClinVar aggregate classification (germline): Benign/Likely benign. Review status: criteria provided, multiple submitters, no conflicts (2 of 4 stars). 4 submissions from 4 submitters: Benign (2); Likely benign (2). Last evaluated 2026-02-02.

Conditions:
Autosomal recessive limb-girdle muscular dystrophy type 2Q (LGMDR17). Also called: MUSCULAR DYSTROPHY, LIMB-GIRDLE, AUTOSOMAL RECESSIVE 17. Identifiers: Orphanet 254361, MedGen C3150989, MONDO:0013390, OMIM 613723.
Epidermolysis bullosa simplex 5C, with pyloric atresia (EBS5C). Also called: PLEC1-Related Epidermolysis Bullosa with Pyloric Atresia; PLEC-Related Epidermolysis Bullosa with Pyloric Atresia; Epidermolysis bullosa simplex with pyloric atresia. Identifiers: Orphanet 158684, MedGen C2677349, MONDO:0012807, OMIM 612138.
Epidermolysis bullosa simplex with nail dystrophy (EBS5D). Identifiers: MedGen C4225309, MONDO:0014661, OMIM 616487.
Epidermolysis bullosa simplex, Ogna type (EBS5A). Also called: Pidermolysis bullosa simplex 5A, Ogna type; EPIDERMOLYSIS BULLOSA SIMPLEX 5A, OGNA TYPE. Identifiers: Orphanet 79401, MedGen C0432317, MONDO:0007555, OMIM 131950.
Epidermolysis bullosa simplex 5B, with muscular dystrophy (EBS5B). Also called: Epidermolysis bullosa simplex with muscular dystrophy; EPIDERMOLYSIS BULLOSA SIMPLEX AND LIMB-GIRDLE MUSCULAR DYSTROPHY. Identifiers: Orphanet 257, MedGen C2931072, MONDO:0009181, OMIM 226670.

Allele frequency attached by ClinVar (database versions not stated): ExAC 0.00102; gnomAD 0.00545 and 0.00578; 1000 Genomes Project 30x 0.00593; 1000 Genomes Project 0.00619; TOPMed 0.00636.
gnomAD v4.1: 1,683 of 1,538,328 alleles (0.11%); highest among the groups gnomAD compares: African/African-American, 2%; 13 homozygotes.

Submissions (4):

Labcorp Genetics (formerly Invitae), Labcorp
Classification: Likely benign for Autosomal recessive limb-girdle muscular dystrophy type 2Q; Epidermolysis bullosa simplex, Ogna type; Epidermolysis bullosa simplex with nail dystrophy; Epidermolysis bullosa simplex 5C, with pyloric atresia; Epidermolysis bullosa simplex 5B, with muscular dystrophy. Last evaluated: 2026-02-02. Review status: criteria provided, single submitter. Criteria: Invitae Variant Classification Sherloc (09022015). Collection method: clinical testing. Allele origin: germline.

Blueprint Genetics
Classification: Likely benign. Last evaluated: 2024-11-22. Review status: criteria provided, single submitter. Criteria: ACMG Guidelines, 2015. Collection method: clinical testing. Allele origin: germline.

Athena Diagnostics
Classification: Benign. Last evaluated: 2021-04-27. Review status: criteria provided, single submitter. Criteria: Athena Diagnostics criteria. Collection method: clinical testing. Allele origin: unknown.

GeneDx
Classification: Benign. Last evaluated: 2018-02-08. Review status: criteria provided, single submitter. Criteria: GeneDx Variant Classification (06012015). Collection method: clinical testing. Allele origin: germline. Affected: yes.
Comment: This variant is considered likely benign or benign based on one or more of the following criteria: it is a conservative change, it occurs at a poorly conserved position in the protein, it is predicted to be benign by multiple in silico algorithms, and/or has population frequency not consistent with disease.